The following is an entry in ClinVar:

NM_006363.6(SEC23B):c.1389_1390del (p.Phe463fs)

Gene: SEC23B (SEC23 homolog B, COPII component; plus strand). Cytogenetic location: 20p11.23.
Variant type: Deletion.
Coding change: c.1389_1390del on transcript NM_006363.6 (MANE Select); coding-DNA positions 1389 to 1390, 2 bases deleted (TG; older notation c.1389_1390delTG).
Protein change: p.Phe463fs; shifts the reading frame from phenylalanine 463.
Molecular consequence: frameshift variant.
Genome position (GRCh38, 1-based): chr20:18,535,727-18,535,728, TG deleted. VCF-style (leftmost placement, unchanged base first): chr20-18535726-TTG-T. GRCh37 (hg19) VCF-style: chr20-18516370-TTG-T.
Other names: c.1389_1390del, p.Phe463fs (NM_001172745.3, NM_032985.6, NM_032986.5); c.1335_1336del, p.Phe445fs (NM_001172746.3); short protein forms F445fs, F463fs.
Identifiers: ClinVar variation 3753233 (VCV003753233.2).

ClinVar aggregate classification (germline): Pathogenic (1 of 4 stars; one submission).

Conditions:
Cowden syndrome 7 (CWS7). Identifiers: Orphanet 201, MedGen C4225179, MONDO:0014802, OMIM 616858.
Congenital dyserythropoietic anemia, type II (CDAN2). Also called: DYSERYTHROPOIETIC ANEMIA, HEMPAS TYPE. Identifiers: Orphanet 98873, MedGen C1306589, MONDO:0009134, OMIM 224100.

Submission:

Labcorp Genetics (formerly Invitae), Labcorp
Classification: Pathogenic for Congenital dyserythropoietic anemia, type II; Cowden syndrome 7. Last evaluated: 2024-10-12. Review status: criteria provided, single submitter. Criteria: Invitae Variant Classification Sherloc (09022015). Collection method: clinical testing. Allele origin: germline.
Comment: This sequence change creates a premature translational stop signal (p.Phe463Leufs*57) in the SEC23B gene. It is expected to result in an absent or disrupted protein product. Loss-of-function variants in SEC23B are known to be pathogenic (PMID: 19561605, 25044164). This variant is not present in population databases (gnomAD no frequency). This variant has not been reported in the literature in individuals affected with SEC23B-related conditions. For these reasons, this variant has been classified as Pathogenic.

Literature cited by the submitters: PubMed 19561605; PubMed 25044164.